The following is an entry in ClinVar:

ClinVar aggregate classification (germline): Uncertain significance (1 of 4 stars; one submission).

Conditions:
Cowden syndrome (CS). Also called: Cowden's disease; Cowden's syndrome; Cowden disease. Identifiers: Orphanet 201, MedGen C0018553, MONDO:0016063. Disease mechanism: gain of function.

Submission:

Labcorp Genetics (formerly Invitae), Labcorp
Classification: Uncertain significance for Cowden syndrome. Last evaluated: 2020-08-25. Review status: criteria provided, single submitter. Criteria: Invitae Variant Classification Sherloc (09022015). Collection method: clinical testing. Allele origin: germline.
Comment: This sequence change replaces cysteine with serine at codon 838 of the PIK3CA protein (p.Cys838Ser). The cysteine residue is highly conserved and there is a moderate physicochemical difference between cysteine and serine. This variant is not present in population databases (ExAC no frequency). This variant has not been reported in the literature in individuals with PIK3CA-related conditions. Algorithms developed to predict the effect of missense changes on protein structure and function are either unavailable or do not agree on the potential impact of this missense change (SIFT: "Deleterious"; PolyPhen-2: "Probably Damaging"; Align-GVGD: "Class C0"). In summary, the available evidence is currently insufficient to determine the role of this variant in disease. Therefore, it has been classified as a Variant of Uncertain Significance.

NM_006218.4(PIK3CA):c.2513G>C (p.Cys838Ser)

Gene: PIK3CA (phosphatidylinositol-4,5-bisphosphate 3-kinase catalytic subunit alpha; plus strand). Cytogenetic location: 3q26.32.
Variant type: single nucleotide variant.
Coding change: c.2513G>C on transcript NM_006218.4 (MANE Select); coding-DNA position 2513, G replaced by C.
Protein change: p.Cys838Ser; replaces cysteine 838 with serine.
Molecular consequence: missense variant.
Genome position (GRCh38, 1-based): chr3:179,229,289, G>C. VCF-style: chr3-179229289-G-C. GRCh37 (hg19) VCF-style: chr3-178947077-G-C.
Other names: short protein forms C838S.
Identifiers: ClinVar variation 1047124 (VCV001047124.9), dbSNP rs1725157266, ClinGen allele CA355277151.
Genomic context (GRCh38, chr3:179,229,289, plus strand): 5'-AAAATTCCATCATTTAATTGTAAACGTGTTACTCCTCTTTCAGAATGTTACCTTATGGTT[G>C]TCTGTCAATCGGTGACTGTGTGGGACTTATTGAGGTGGTGCGAAATTCTCACACTATTAT-3'
Protein context (NP_006209.2, residues 828-848): GLDLRMLPYG[Cys838Ser]LSIGDCVGLI